The following is an entry in ClinVar:

NM_152879.3(DGKD):c.2673A>G (p.Leu891=)

Gene: DGKD (diacylglycerol kinase delta; plus strand). Cytogenetic location: 2q37.1.
Variant type: single nucleotide variant.
Coding change: c.2673A>G on transcript NM_152879.3 (MANE Select); coding-DNA position 2673, A replaced by G.
Protein change: p.Leu891=; no amino-acid change (leucine 891 retained).
Molecular consequence: synonymous variant.
Genome position (GRCh38, 1-based): chr2:233,458,376, A>G. VCF-style: chr2-233458376-A-G. GRCh37 (hg19) VCF-style: chr2-234367022-A-G.
Other names: c.2274A>G, p.Leu758= (NM_001377259.1); c.2541A>G, p.Leu847= (NM_003648.3).
Identifiers: ClinVar variation 3060583 (VCV003060583.2), dbSNP rs61739478, ClinGen allele CA2175734.

ClinVar aggregate classification (germline): Benign (0 of 4 stars; one submission).

Conditions:
DGKD-related disorder. Also called: DGKD-related condition.

Allele frequency attached by ClinVar (database versions not stated): gnomAD exomes 0.00912; ExAC 0.02172; gnomAD 0.04361; ESP Exome Variant Server 0.04544; TOPMed 0.04794; 1000 Genomes Project 0.05631; 1000 Genomes Project 30x 0.05715.
gnomAD v4.1: 20,407 of 1,610,358 alleles (1.3%); highest among the groups gnomAD compares: African/African-American, 13%; 704 homozygotes.

Submission:

PreventionGenetics, part of Exact Sciences
Classification: Benign for DGKD-related condition. Last evaluated: 2019-09-24. Review status: no assertion criteria provided. Collection method: clinical testing. Allele origin: germline.
Comment: This variant is classified as benign based on ACMG/AMP sequence variant interpretation guidelines (Richards et al. 2015 PMID: 25741868, with internal and published modifications).